The following is an entry in ClinVar:

NM_001377.3(DYNC2H1):c.6420T>C (p.Asn2140=)

Gene: DYNC2H1 (dynein cytoplasmic 2 heavy chain 1; plus strand). Cytogenetic location: 11q22.3.
Variant type: single nucleotide variant.
Coding change: c.6420T>C on transcript NM_001377.3 (MANE Select); coding-DNA position 6420, T replaced by C.
Protein change: p.Asn2140=; no amino-acid change (asparagine 2140 retained).
Molecular consequence: synonymous variant.
Genome position (GRCh38, 1-based): chr11:103,181,829, T>C. VCF-style: chr11-103181829-T-C. GRCh37 (hg19) VCF-style: chr11-103052558-T-C.
Other names: p.Asn2140=; c.6420T>C, p.Asn2140= (NM_001080463.2).
Identifiers: ClinVar variation 302054 (VCV000302054.37), dbSNP rs11225584, ClinGen allele CA6253965.

ClinVar aggregate classification (germline): Benign/Likely benign. Review status: criteria provided, multiple submitters, no conflicts (2 of 4 stars). 10 submissions from 10 submitters: Benign (7); Likely benign (1). 2 of the submissions do not count toward it. Last evaluated 2026-02-04.

Conditions:
Jeune thoracic dystrophy. Also called: Infantile thoracic dystrophy; Thoracic pelvic phalangeal dystrophy; Jeune's syndrome; Chondroectodermal dysplasia-like syndrome; Short-rib thoracic dysplasia; Jeune syndrome. Identifiers: Orphanet 474, MedGen C0265275, MONDO:0018770.
Asphyxiating thoracic dystrophy 3. Also called: SHORT-RIB THORACIC DYSPLASIA 3 WITH OR WITHOUT POLYDACTYLY; POLYDACTYLY WITH NEONATAL CHONDRODYSTROPHY, TYPE I; SHORT-RIB THORACIC DYSPLASIA 3/6 WITH POLYDACTYLY, DIGENIC; Short rib polydactyly syndrome 2B; Saldino-Noonan Syndrome. Identifiers: Orphanet 474, Orphanet 93269, Orphanet 93270, Orphanet 93271, MedGen C0036069, MONDO:0013127, OMIM 613091.

Allele frequency attached by ClinVar (database versions not stated): 1000 Genomes Project 0.13419; ESP Exome Variant Server 0.09691; TOPMed 0.10094; gnomAD 0.10418 and 0.10717; 1000 Genomes Project 30x 0.12586.
gnomAD v4.1: 185,899 of 1,595,920 alleles (12%); highest among the groups gnomAD compares: East Asian, 22%; 11,614 homozygotes.

Submissions (10):

Labcorp Genetics (formerly Invitae), Labcorp
Classification: Benign for Jeune thoracic dystrophy. Last evaluated: 2026-02-04. Review status: criteria provided, single submitter. Criteria: Invitae Variant Classification Sherloc (09022015). Collection method: clinical testing. Allele origin: germline.

ARUP Laboratories, Molecular Genetics and Genomics, ARUP Laboratories
Classification: Benign for Asphyxiating thoracic dystrophy 3. Last evaluated: 2025-06-26. Review status: criteria provided, single submitter. Criteria: ARUP Molecular Germline Variant Investigation Process 2024. Collection method: clinical testing. Allele origin: germline.

Blueprint Genetics
Classification: Likely benign. Last evaluated: 2024-11-27. Review status: criteria provided, single submitter. Criteria: ACMG Guidelines, 2015. Collection method: clinical testing. Allele origin: germline.

Mayo Clinic Laboratories, Mayo Clinic
Classification: Benign. Last evaluated: 2022-03-09. Review status: criteria provided, single submitter. Criteria: ACMG Guidelines, 2015. Collection method: clinical testing. Allele origin: germline. Observed: 14 variant alleles.

Illumina Laboratory Services, Illumina
Classification: Benign for Asphyxiating thoracic dystrophy 3. Last evaluated: 2018-01-13. Review status: criteria provided, single submitter. Criteria: ICSL Variant Classification Criteria 13 December 2019. Collection method: clinical testing. Allele origin: germline.
Comment: This variant was observed in the ICSL laboratory as part of a predisposition screen in an ostensibly healthy population. It had not been previously curated by ICSL or reported in the Human Gene Mutation Database (HGMD: prior to June 1st, 2018), and was therefore a candidate for classification through an automated scoring system. Utilizing variant allele frequency, disease prevalence and penetrance estimates, and inheritance mode, an automated score was calculated to assess if this variant is too frequent to cause the disease. Based on the score and internal cut-off values, a variant classified as benign is not then subjected to further curation. The score for this variant resulted in a classification of benign for this disease.

GeneDx
Classification: Benign. Last evaluated: 2016-04-22. Review status: criteria provided, single submitter. Criteria: GeneDx Variant Classification (06012015). Collection method: clinical testing. Allele origin: germline. Affected: yes.
Comment: This variant is considered likely benign or benign based on one or more of the following criteria: it is a conservative change, it occurs at a poorly conserved position in the protein, it is predicted to be benign by multiple in silico algorithms, and/or has population frequency not consistent with disease.

Laboratory for Molecular Medicine, Mass General Brigham Personalized Medicine
Classification: Benign. Last evaluated: 2016-03-28. Review status: criteria provided, single submitter. Criteria: LMM Criteria. Collection method: clinical testing. Allele origin: germline.
Comment: Variant identified in a genome or exome case(s) and assessed due to predicted null impact of the variant or pathogenic assertions in the literature or databases. Disclaimer: This variant has not undergone full assessment. The following are preliminary notes: MAF

Breakthrough Genomics
Classification: Benign. Review status: criteria provided, single submitter. Criteria: ACMG Guidelines, 2015. Collection method: not provided. Allele origin: germline. Inheritance: Autosomal recessive inheritance. Affected: yes.

Clinical Genetics DNA and cytogenetics Diagnostics Lab, Erasmus MC, Erasmus Medical Center
Classification: Benign. Review status: no assertion criteria provided. Collection method: clinical testing. Allele origin: germline. Affected: yes. Study: VKGL Data-share Consensus. Not counted in ClinVar's aggregate classification.

Joint Genome Diagnostic Labs from Nijmegen and Maastricht, Radboudumc and MUMC+
Classification: Benign. Review status: no assertion criteria provided. Collection method: clinical testing. Allele origin: germline. Affected: yes. Study: VKGL Data-share Consensus. Not counted in ClinVar's aggregate classification.